The following is an entry in ClinVar:

NM_020401.4(NUP107):c.2717_2718del (p.Glu906fs)

Gene: NUP107 (nucleoporin 107; plus strand). Cytogenetic location: 12q15.
Variant type: Microsatellite.
Coding change: c.2717_2718del on transcript NM_020401.4 (MANE Select); coding-DNA positions 2717 to 2718, 2 bases deleted (AG; older notation c.2717_2718delAG).
Protein change: p.Glu906fs; shifts the reading frame from glutamic acid 906.
Molecular consequence: frameshift variant.
Genome position (GRCh38, 1-based): chr12:68,742,401-68,742,402, AG deleted; deleting any 2 consecutive bases within chr12:68,742,397-68,742,402 gives the same sequence; the c. name uses the placement nearest the transcript's 3' end. VCF-style (leftmost placement, unchanged base first): chr12-68742396-CAG-C. GRCh37 (hg19) VCF-style: chr12-69136176-CAG-C.
Other names: c.2630_2631del, p.Glu877fs (NM_001330192.2); short protein forms E877fs, E906fs.
Identifiers: ClinVar variation 4886311 (VCV004886311.2).

ClinVar aggregate classification (germline): Uncertain significance (1 of 4 stars; one submission).

Submission:

Dasa
Classification: Uncertain significance. Last evaluated: 2024-11-26. Review status: criteria provided, single submitter. Criteria: DASA Assertion Criteria. Collection method: clinical testing. Allele origin: germline.
Comment: NM_020401.4(NUP107):c.2717_2718del (p.Glu906Valfs*11) is a frameshift variant in NUP107 predicted to alter the reading frame and introduce a premature termination codon and is predicted to result in an absent or altered protein product. This variant is rare in population databases. The currently available literature and clinical evidence are not sufficient to establish a definitive association between this variant and the reported condition. Therefore, this variant is classified as a variant of uncertain significance.